The following is an entry in ClinVar:

ClinVar aggregate classification (germline): Benign. Review status: criteria provided, multiple submitters, no conflicts (2 of 4 stars). 2 submissions from 2 submitters: Benign (2). Last evaluated 2018-01-13.

Conditions:
Mitochondrial complex II deficiency, nuclear type 1. Also called: SUCCINATE CoQ REDUCTASE DEFICIENCY. Identifiers: Orphanet 3208, MedGen C5700310, MONDO:0100294, OMIM 252011.

Allele frequency attached by ClinVar (database versions not stated): 1000 Genomes Project 30x 0.09416; 1000 Genomes Project 0.09485; TOPMed 0.12586; gnomAD 0.13064 and 0.13298; gnomAD exomes 0.18807.
gnomAD v4.1: 22,731 of 166,988 alleles (14%); highest among the groups gnomAD compares: Middle Eastern, 27%; 1,777 homozygotes.

Submissions (2):

Illumina Laboratory Services, Illumina
Classification: Benign for Mitochondrial complex II deficiency, nuclear type 1. Last evaluated: 2018-01-13. Review status: criteria provided, single submitter. Criteria: ICSL Variant Classification Criteria 13 December 2019. Collection method: clinical testing. Allele origin: germline.
Comment: This variant was observed in the ICSL laboratory as part of a predisposition screen in an ostensibly healthy population. It had not been previously curated by ICSL or reported in the Human Gene Mutation Database (HGMD: prior to June 1st, 2018), and was therefore a candidate for classification through an automated scoring system. Utilizing variant allele frequency, disease prevalence and penetrance estimates, and inheritance mode, an automated score was calculated to assess if this variant is too frequent to cause the disease. Based on the score and internal cut-off values, a variant classified as benign is not then subjected to further curation. The score for this variant resulted in a classification of benign for this disease.

Breakthrough Genomics
Classification: Benign. Review status: criteria provided, single submitter. Criteria: ACMG Guidelines, 2015. Collection method: not provided. Allele origin: germline. Inheritance: Autosomal recessive inheritance. Affected: yes.

NM_001042631.3(SDHAF1):c.*622A>G

Gene: SDHAF1 (succinate dehydrogenase complex assembly factor 1; plus strand). Cytogenetic location: 19q13.12.
Variant type: single nucleotide variant.
Coding change: c.*622A>G on transcript NM_001042631.3 (MANE Select); 622 bases downstream of the stop codon, A replaced by G.
Molecular consequence: 3 prime UTR variant.
Genome position (GRCh38, 1-based): chr19:35,996,244, A>G. VCF-style: chr19-35996244-A-G. GRCh37 (hg19) VCF-style: chr19-36487146-A-G.
Identifiers: ClinVar variation 328902 (VCV000328902.6), dbSNP rs7925, ClinGen allele CA10642655.